The following is an entry in ClinVar:

ClinVar aggregate classification (germline): Uncertain significance (1 of 4 stars; one submission).

Conditions:
BBS7-related disorder. Also called: BBS7-related condition.

gnomAD v4.1: 3 of 1,612,990 alleles (0.00019%); highest among the groups gnomAD compares: Non-Finnish European, 0.00025%; no homozygotes.

Submission:

PreventionGenetics, part of Exact Sciences
Classification: Uncertain significance for BBS7-related condition. Last evaluated: 2024-11-25. Review status: criteria provided, single submitter. Criteria: ACMG Guidelines, 2015. Collection method: clinical testing. Allele origin: germline.
Comment: The BBS7 c.2137G>T variant is predicted to result in the amino acid substitution p.Asp713Tyr. To our knowledge, this variant has not been reported in the literature or in a large population database (gnomAD), indicating this variant is rare. At this time, the clinical significance of this variant is uncertain due to the absence of conclusive functional and genetic evidence.

NM_176824.3(BBS7):c.2137G>T (p.Asp713Tyr)

Gene: BBS7 (Bardet-Biedl syndrome 7; minus strand). Cytogenetic location: 4q27.
Variant type: single nucleotide variant.
Coding change: c.2137G>T on transcript NM_176824.3 (MANE Select); coding-DNA position 2137, G replaced by T.
Protein change: p.Asp713Tyr; replaces aspartic acid 713 with tyrosine.
Molecular consequence: missense variant.
Genome position (GRCh38, 1-based): chr4:121,825,871, C>A on the plus strand (G>T on the coding strand, the complement: BBS7 is on the minus strand). VCF-style: chr4-121825871-C-A. GRCh37 (hg19) VCF-style: chr4-122747026-C-A.
Other names: short protein forms D713Y.
Identifiers: ClinVar variation 4982586 (VCV004982586.1).